The following is an entry in ClinVar:

NC_000015.10:g.(?_92901218)_(92901319_?)del

Gene: CHD2 (chromodomain helicase DNA binding protein 2; plus strand). Cytogenetic location: 15q26.1.
Variant type: Deletion.
Identifiers: ClinVar variation 831537 (VCV000831537.7).

ClinVar aggregate classification (germline): Pathogenic (1 of 4 stars; one submission).

Conditions:
Developmental and epileptic encephalopathy 94 (DEE94). Also called: Epileptic encephalopathy, childhood-onset; CHD2-Related Neurodevelopmental Disorders. Identifiers: Orphanet 1942, Orphanet 2382, MedGen C3809278, MONDO:0014150, OMIM 615369.

Submission:

Labcorp Genetics (formerly Invitae), Labcorp
Classification: Pathogenic for Developmental and epileptic encephalopathy 94. Last evaluated: 2022-03-23. Review status: criteria provided, single submitter. Criteria: Invitae Variant Classification Sherloc (09022015). Collection method: clinical testing. Allele origin: germline.
Comment: This variant is a gross deletion of the genomic region encompassing exon(s) 2 of the CHD2 gene, which includes the initiator codon. This deletion extends beyond the assayed region for this gene and therefore may encompass additional genes. It is expected to result in an absent or disrupted protein product. Loss-of-function variants in CHD2 are known to be pathogenic (PMID: 23708187, 24207121). This variant has not been reported in the literature in individuals affected with CHD2-related conditions. For these reasons, this variant has been classified as Pathogenic.

Literature cited by the submitters: PubMed 23708187; PubMed 24207121.